The following is an entry in ClinVar:

ClinVar aggregate classification (germline): Uncertain significance. Review status: criteria provided, multiple submitters, no conflicts (2 of 4 stars). 2 submissions from 2 submitters: Uncertain significance (2). Last evaluated 2025-08-13.

Conditions:
Inborn genetic diseases. Identifiers: MedGen C0950123, MeSH D030342.

Allele frequency attached by ClinVar (database versions not stated): TOPMed below 0.00001; ExAC 0.00001; gnomAD 0.00001; gnomAD exomes 0.00001.
gnomAD v4.1: 5 of 1,613,946 alleles (0.00031%); highest among the groups gnomAD compares: Admixed American, 0.0033%; no homozygotes.

Submissions (2):

Ambry Genetics
Classification: Uncertain significance for Inborn genetic diseases. Last evaluated: 2025-08-13. Review status: criteria provided, single submitter. Criteria: Ambry Variant Classification Scheme 2023. Collection method: clinical testing. Allele origin: germline.

Labcorp Genetics (formerly Invitae), Labcorp
Classification: Uncertain significance. Last evaluated: 2022-04-19. Review status: criteria provided, single submitter. Criteria: Invitae Variant Classification Sherloc (09022015). Collection method: clinical testing. Allele origin: germline.
Comment: This sequence change replaces lysine, which is basic and polar, with threonine, which is neutral and polar, at codon 359 of the TNFRSF11B protein (p.Lys359Thr). This variant has not been reported in the literature in individuals affected with TNFRSF11B-related conditions. Algorithms developed to predict the effect of missense changes on protein structure and function are either unavailable or do not agree on the potential impact of this missense change (SIFT: "Deleterious"; PolyPhen-2: "Probably Damaging"; Align-GVGD: "Class C0"). In summary, the available evidence is currently insufficient to determine the role of this variant in disease. Therefore, it has been classified as a Variant of Uncertain Significance. This variant is present in population databases (rs769203476, gnomAD 0.009%).

NM_002546.4(TNFRSF11B):c.1076A>C (p.Lys359Thr)

Gene: TNFRSF11B (TNF receptor superfamily member 11b; minus strand). Cytogenetic location: 8q24.12.
Variant type: single nucleotide variant.
Coding change: c.1076A>C on transcript NM_002546.4 (MANE Select); coding-DNA position 1076, A replaced by C.
Protein change: p.Lys359Thr; replaces lysine 359 with threonine.
Molecular consequence: missense variant.
Genome position (GRCh38, 1-based): chr8:118,924,504, T>G on the plus strand (A>C on the coding strand, the complement: TNFRSF11B is on the minus strand). VCF-style: chr8-118924504-T-G. GRCh37 (hg19) VCF-style: chr8-119936743-T-G.
Other names: c.1076A>C (NM_002546.3); short protein forms K359T.
Identifiers: ClinVar variation 1428553 (VCV001428553.7), dbSNP rs769203476, ClinGen allele CA4854773.